The following is an entry in ClinVar:

NM_005188.4(CBL):c.1904C>G (p.Pro635Arg)

Gene: CBL (Cbl proto-oncogene; plus strand). Cytogenetic location: 11q23.3.
Variant type: single nucleotide variant.
Coding change: c.1904C>G on transcript NM_005188.4 (MANE Select); coding-DNA position 1904, C replaced by G.
Protein change: p.Pro635Arg; replaces proline 635 with arginine.
Molecular consequence: missense variant.
Genome position (GRCh38, 1-based): chr11:119,285,529, C>G. VCF-style: chr11-119285529-C-G. GRCh37 (hg19) VCF-style: chr11-119156239-C-G.
Other names: short protein forms P635R.
Identifiers: ClinVar variation 3384986 (VCV003384986.1).

ClinVar aggregate classification (germline): Uncertain significance (1 of 4 stars; one submission).

Submission:

Women's Health and Genetics/Laboratory Corporation of America, LabCorp
Classification: Uncertain significance. Last evaluated: 2024-10-02. Review status: criteria provided, single submitter. Criteria: LabCorp Variant Classification Summary - May 2015. Collection method: clinical testing. Allele origin: germline.
Comment: Variant summary: CBL c.1904C>G (p.Pro635Arg) results in a non-conservative amino acid change in the encoded protein sequence. Four of five in-silico tools predict a benign effect of the variant on protein function. The variant was absent in 251354 control chromosomes. The available data on variant occurrences in the general population are insufficient to allow any conclusion about variant significance. To our knowledge, no occurrence of c.1904C>G in individuals affected with Noonan Syndrome And Related Conditions and no experimental evidence demonstrating its impact on protein function have been reported. No submitters have cited clinical-significance assessments for this variant to ClinVar. Based on the evidence outlined above, the variant was classified as uncertain significance.